The following is an entry in ClinVar:

NM_000488.4(SERPINC1):c.1110G>A (p.Met370Ile)

Gene: SERPINC1 (serpin family C member 1; minus strand). Cytogenetic location: 1q25.1.
Variant type: single nucleotide variant.
Coding change: c.1110G>A on transcript NM_000488.4 (MANE Select); coding-DNA position 1110, G replaced by A.
Protein change: p.Met370Ile; replaces methionine 370 with isoleucine.
Molecular consequence: missense variant.
Genome position (GRCh38, 1-based): chr1:173,909,595, C>T on the plus strand (G>A on the coding strand, the complement: SERPINC1 is on the minus strand). VCF-style: chr1-173909595-C-T. GRCh37 (hg19) VCF-style: chr1-173878733-C-T.
Other names: c.966G>A, p.Met322Ile (NM_001365052.2); c.1233G>A, p.Met411Ile (NM_001386302.1); c.1191G>A, p.Met397Ile (NM_001386303.1); c.1089G>A, p.Met363Ile (NM_001386304.1); c.1053G>A, p.Met351Ile (NM_001386305.1); c.894G>A, p.Met298Ile (NM_001386306.1); short protein forms M370I, M298I, M322I, M351I, M397I, M411I, M363I.
Identifiers: ClinVar variation 2777316 (VCV002777316.3), dbSNP rs2526569287, ClinGen allele CA343773552.
Genomic context (GRCh38, chr1:173,909,595, plus strand): 5'-CTCCTTCCTAGACAAACCTGGGAGTTTGGACTTTTCAGGGCTGAACAGATCGACAAGGCC[C>T]ATGTCTTGCAGCTGCTCCTTCAAACTGAAGCCGTCCTCAATGCGGAAGCGGGGCATGTGG-3'
Protein context (NP_000479.1, residues 360-380): GFSLKEQLQD[Met370Ile]GLVDLFSPEK

ClinVar aggregate classification (germline): Uncertain significance (1 of 4 stars; one submission).

Conditions:
Hereditary antithrombin deficiency (AT3D). Also called: Reduced antithrombin III activity; Antithrombin III deficiency; Thrombophilia due to antithrombin III deficiency; Antithrombin deficiency. Identifiers: Orphanet 82, MedGen C0272375, MONDO:0013144, OMIM 613118, HP:0001976.

Submission:

Labcorp Genetics (formerly Invitae), Labcorp
Classification: Uncertain significance for Hereditary antithrombin deficiency. Last evaluated: 2023-06-09. Review status: criteria provided, single submitter. Criteria: Invitae Variant Classification Sherloc (09022015). Collection method: clinical testing. Allele origin: germline.
Comment: This variant is not present in population databases (gnomAD no frequency). In summary, the available evidence is currently insufficient to determine the role of this variant in disease. Therefore, it has been classified as a Variant of Uncertain Significance. Advanced modeling of protein sequence and biophysical properties (such as structural, functional, and spatial information, amino acid conservation, physicochemical variation, residue mobility, and thermodynamic stability) performed at Invitae indicates that this missense variant is not expected to disrupt SERPINC1 protein function. This variant has not been reported in the literature in individuals affected with SERPINC1-related conditions. This sequence change replaces methionine, which is neutral and non-polar, with isoleucine, which is neutral and non-polar, at codon 370 of the SERPINC1 protein (p.Met370Ile).